The following is an entry in ClinVar:

NM_004304.5(ALK):c.3254C>A (p.Thr1085Asn)

Gene: ALK (ALK receptor tyrosine kinase; minus strand). Cytogenetic location: 2p23.2.
Variant type: single nucleotide variant.
Coding change: c.3254C>A on transcript NM_004304.5 (MANE Select); coding-DNA position 3254, C replaced by A.
Protein change: p.Thr1085Asn; replaces threonine 1085 with asparagine.
Molecular consequence: missense variant.
Genome position (GRCh38, 1-based): chr2:29,223,447, G>T on the plus strand (C>A on the coding strand, the complement: ALK is on the minus strand). VCF-style: chr2-29223447-G-T. GRCh37 (hg19) VCF-style: chr2-29446313-G-T.
Other names: c.50C>A, p.Thr17Asn (NM_001353765.2); short protein forms T17N, T1085N.
Identifiers: ClinVar variation 941551 (VCV000941551.9), dbSNP rs1460007760, ClinGen allele CA346465174.
Genomic context (GRCh38, chr2:29,223,447, plus strand): 5'-ATGGAGGAGGTCTTGCCAGCAAAGCAGTAGTTGGGGTTGTAGTCGGTCATGATGGTCGAG[G>T]TGCGGAGCTTGCTCAGCTTGTACTCAGGGCTCTGCAGCTCCATCTGCATGGCTTGCAGCT-3'
Protein context (NP_004295.2, residues 1075-1095): SPEYKLSKLR[Thr1085Asn]STIMTDYNPN

ClinVar aggregate classification (germline): Uncertain significance (1 of 4 stars; one submission).

Conditions:
Neuroblastoma, susceptibility to, 3. Also called: ALK-Related Neuroblastic Tumor Susceptibility. Identifiers: Orphanet 635, MedGen C2751681, MONDO:0013083, OMIM 613014.

Allele frequency attached by ClinVar (database versions not stated): gnomAD exomes below 0.00001.
gnomAD v4.1: 1 of 1,614,182 alleles (0.000062%); highest among the groups gnomAD compares: Non-Finnish European, 0.000085%; no homozygotes.

Submission:

Labcorp Genetics (formerly Invitae), Labcorp
Classification: Uncertain significance for Neuroblastoma, susceptibility to, 3. Last evaluated: 2025-11-28. Review status: criteria provided, single submitter. Criteria: Invitae Variant Classification Sherloc (09022015). Collection method: clinical testing. Allele origin: germline.
Comment: This sequence change replaces threonine, which is neutral and polar, with asparagine, which is neutral and polar, at codon 1085 of the ALK protein (p.Thr1085Asn). This variant is present in population databases (no rsID available, gnomAD 0.0009%). This missense change has been observed in individual(s) with breast cancer (PMID: 35957908). ClinVar contains an entry for this variant (Variation ID: 941551). An algorithm developed to predict the effect of missense changes on protein structure and function (PolyPhen-2) suggests that this variant is likely to be disruptive. In summary, the available evidence is currently insufficient to determine the role of this variant in disease. Therefore, it has been classified as a Variant of Uncertain Significance.

Literature cited by the submitters: PubMed 35957908.